The following is an entry in ClinVar:

NM_001999.4(FBN2):c.7912G>T (p.Gly2638Cys)

Gene: FBN2 (fibrillin 2; minus strand). Cytogenetic location: 5q23.3.
Variant type: single nucleotide variant.
Coding change: c.7912G>T on transcript NM_001999.4 (MANE Select); coding-DNA position 7912, G replaced by T.
Protein change: p.Gly2638Cys; replaces glycine 2638 with cysteine.
Molecular consequence: missense variant.
Genome position (GRCh38, 1-based): chr5:128,272,047, C>A on the plus strand (G>T on the coding strand, the complement: FBN2 is on the minus strand). VCF-style: chr5-128272047-C-A. GRCh37 (hg19) VCF-style: chr5-127607739-C-A.
Other names: short protein forms G2638C.
Identifiers: ClinVar variation 3711646 (VCV003711646.2).

ClinVar aggregate classification (germline): Uncertain significance (1 of 4 stars; one submission).

Conditions:
Congenital contractural arachnodactyly (CCA). Also called: Beals-Hecht syndrome; BEALS SYNDROME; Arthrogryposis, distal, type 9. Identifiers: Orphanet 115, MedGen C0220668, MONDO:0007363, OMIM 121050.

Submission:

Labcorp Genetics (formerly Invitae), Labcorp
Classification: Uncertain significance for Congenital contractural arachnodactyly. Last evaluated: 2024-09-29. Review status: criteria provided, single submitter. Criteria: Invitae Variant Classification Sherloc (09022015). Collection method: clinical testing. Allele origin: germline.
Comment: This sequence change replaces glycine, which is neutral and non-polar, with cysteine, which is neutral and slightly polar, at codon 2638 of the FBN2 protein (p.Gly2638Cys). This variant is not present in population databases (gnomAD no frequency). This variant has not been reported in the literature in individuals affected with FBN2-related conditions. Invitae Evidence Modeling of protein sequence and biophysical properties (such as structural, functional, and spatial information, amino acid conservation, physicochemical variation, residue mobility, and thermodynamic stability) indicates that this missense variant is not expected to disrupt FBN2 protein function with a negative predictive value of 80%. In summary, the available evidence is currently insufficient to determine the role of this variant in disease. Therefore, it has been classified as a Variant of Uncertain Significance.